The following is an entry in ClinVar:

ClinVar aggregate classification (germline): Uncertain significance. Review status: criteria provided, multiple submitters, no conflicts (2 of 4 stars). 2 submissions from 2 submitters: Uncertain significance (2). Last evaluated 2025-12-03.

Conditions:
Pulmonary fibrosis and/or bone marrow failure, Telomere-related, 3. Also called: PULMONARY FIBROSIS AND/OR BONE MARROW FAILURE SYNDROME, TELOMERE-RELATED, 3. Identifiers: Orphanet 2032, MedGen C4225346, MONDO:0014613, OMIM 616373.
Dyskeratosis congenita, autosomal recessive 5 (DKCB5). Identifiers: MedGen C3554656, MONDO:0014076, OMIM 615190.
Inborn genetic diseases. Identifiers: MedGen C0950123, MeSH D030342.

gnomAD v4.1: 1 of 1,612,396 alleles (0.000062%); highest among the groups gnomAD compares: Non-Finnish European, 0.000085%; no homozygotes.

Submissions (2):

Labcorp Genetics (formerly Invitae), Labcorp
Classification: Uncertain significance for Dyskeratosis congenita, autosomal recessive 5; Pulmonary fibrosis and/or bone marrow failure, Telomere-related, 3. Last evaluated: 2025-12-03. Review status: criteria provided, single submitter. Criteria: Invitae Variant Classification Sherloc (09022015). Collection method: clinical testing. Allele origin: germline.
Comment: This sequence change replaces alanine, which is neutral and non-polar, with serine, which is neutral and polar, at codon 1059 of the RTEL1 protein (p.Ala1059Ser). This variant is not present in population databases (gnomAD no frequency). This variant has not been reported in the literature in individuals affected with RTEL1-related conditions. ClinVar contains an entry for this variant (Variation ID: 3435996). An algorithm developed to predict the effect of missense changes on protein structure and function (PolyPhen-2) suggests that this variant is likely to be tolerated. In summary, the available evidence is currently insufficient to determine the role of this variant in disease. Therefore, it has been classified as a Variant of Uncertain Significance.

Ambry Genetics
Classification: Uncertain significance for Inborn genetic diseases. Last evaluated: 2024-11-28. Review status: criteria provided, single submitter. Criteria: Ambry Variant Classification Scheme 2023. Collection method: clinical testing. Allele origin: germline.
Comment: The p.A1059S variant (also known as c.3175G>T), located in coding exon 31 of the RTEL1 gene, results from a G to T substitution at nucleotide position 3175. The alanine at codon 1059 is replaced by serine, an amino acid with similar properties. This amino acid position is conserved. In addition, this alteration is predicted to be tolerated by in silico analysis. Based on the available evidence, the clinical significance of this variant remains unclear.

NM_001283009.2(RTEL1):c.3175G>T (p.Ala1059Ser)

Genes: RTEL1 (regulator of telomere elongation helicase 1; plus strand), RTEL1-TNFRSF6B (RTEL1-TNFRSF6B readthrough (NMD candidate); plus strand). Cytogenetic location: 20q13.33.
Variant type: single nucleotide variant.
Coding change: c.3175G>T on transcript NM_001283009.2 (MANE Select); coding-DNA position 3175, G replaced by T.
Protein change: p.Ala1059Ser; replaces alanine 1059 with serine.
Molecular consequence: missense variant. On other transcripts: non-coding transcript variant (1).
Genome position (GRCh38, 1-based): chr20:63,694,806, G>T. VCF-style: chr20-63694806-G-T. GRCh37 (hg19) VCF-style: chr20-62326159-G-T.
Other names: c.2506G>T, p.Ala836Ser (NM_001283010.1); c.3175G>T, p.Ala1059Ser (NM_016434.4); c.3247G>T, p.Ala1083Ser (NM_032957.5); short protein forms A1083S, A836S, A1059S.
Identifiers: ClinVar variation 3435996 (VCV003435996.2).